The following is an entry in ClinVar:

ClinVar aggregate classification (germline): Uncertain significance. Review status: criteria provided, multiple submitters, no conflicts (2 of 4 stars). 3 submissions from 3 submitters: Uncertain significance (3). Last evaluated 2024-12-03.

Conditions:
Inborn genetic diseases. Identifiers: MedGen C0950123, MeSH D030342.

Allele frequency attached by ClinVar (database versions not stated): gnomAD exomes below 0.00001; gnomAD 0.00001; TOPMed 0.00001.
gnomAD v4.1: 4 of 1,614,070 alleles (0.00025%); highest among the groups gnomAD compares: African/African-American, 0.0053%; no homozygotes.

Submissions (3):

Ambry Genetics
Classification: Uncertain significance for Inborn genetic diseases. Last evaluated: 2024-12-03. Review status: criteria provided, single submitter. Criteria: Ambry Variant Classification Scheme 2023. Collection method: clinical testing. Allele origin: germline.

Labcorp Genetics (formerly Invitae), Labcorp
Classification: Uncertain significance. Last evaluated: 2024-01-08. Review status: criteria provided, single submitter. Criteria: Invitae Variant Classification Sherloc (09022015). Collection method: clinical testing. Allele origin: germline.
Comment: This sequence change replaces arginine, which is basic and polar, with lysine, which is basic and polar, at codon 590 of the DNM1L protein (p.Arg590Lys). This variant is present in population databases (no rsID available, gnomAD 0.01%). This variant has not been reported in the literature in individuals affected with DNM1L-related conditions. An algorithm developed to predict the effect of missense changes on protein structure and function (PolyPhen-2) suggests that this variant is likely to be tolerated. In summary, the available evidence is currently insufficient to determine the role of this variant in disease. Therefore, it has been classified as a Variant of Uncertain Significance.

GeneDx
Classification: Uncertain significance. Last evaluated: 2023-12-19. Review status: criteria provided, single submitter. Criteria: GeneDx Variant Classification Process June 2021. Collection method: clinical testing. Allele origin: germline. Affected: yes.
Comment: Has not been previously published as pathogenic or benign to our knowledge; In silico analysis supports that this missense variant does not alter protein structure/function

NM_012062.5(DNM1L):c.1769G>A (p.Arg590Lys)

Gene: DNM1L (dynamin 1 like; plus strand). Cytogenetic location: 12p11.21.
Variant type: single nucleotide variant.
Coding change: c.1769G>A on transcript NM_012062.5 (MANE Select); coding-DNA position 1769, G replaced by A.
Protein change: p.Arg590Lys; replaces arginine 590 with lysine.
Molecular consequence: missense variant.
Genome position (GRCh38, 1-based): chr12:32,740,125, G>A. VCF-style: chr12-32740125-G-A. GRCh37 (hg19) VCF-style: chr12-32893059-G-A.
Other names: c.1769G>A (NM_012062.3); c.1736G>A, p.Arg579Lys (NM_001278463.2); c.1808G>A, p.Arg603Lys (NM_001278464.2); c.1775G>A, p.Arg592Lys (NM_001278465.2); c.1160G>A, p.Arg387Lys (NM_001278466.2); c.1697G>A, p.Arg566Lys (NM_001330380.2); c.1658G>A, p.Arg553Lys (NM_005690.5); c.1691G>A, p.Arg564Lys (NM_012063.4); short protein forms R553K, R579K, R564K, R566K, R603K, R387K, R590K, R592K.
Identifiers: ClinVar variation 2910826 (VCV002910826.5), dbSNP rs1430413582, ClinGen allele CA384362550.
Genomic context (GRCh38, chr12:32,740,125, plus strand): 5'-TTGCATCTGGAGGTGGTGGGGTTGGAGATGGTGTTCAAGAACCAACCACAGGCAACTGGA[G>A]AGGAATGCTGAAAACTTCAAAAGCTGAAGAGTTATTAGCAGAAGAAAAATCAAAACCCAT-3'
Protein context (NP_036192.2, residues 580-600): GVQEPTTGNW[Arg590Lys]GMLKTSKAEE